The following is an entry in ClinVar:

ClinVar aggregate classification (germline): Pathogenic (1 of 4 stars; one submission).

Conditions:
Hereditary cancer-predisposing syndrome. Also called: Tumor predisposition; Neoplastic Syndromes, Hereditary; Hereditary Cancer Syndrome; Hereditary neoplastic syndrome. Identifiers: Orphanet 140162, MedGen C0027672, MeSH D009386, MONDO:0015356.

Submission:

Ambry Genetics
Classification: Pathogenic for Hereditary cancer-predisposing syndrome. Last evaluated: 2024-07-18. Review status: criteria provided, single submitter. Criteria: Ambry Variant Classification Scheme 2023. Collection method: clinical testing. Allele origin: germline.
Comment: The c.3568_3569insA pathogenic mutation, located in coding exon 10 of the BRCA2 gene, results from an insertion of one nucleotide at position 3568, causing a translational frameshift with a predicted alternate stop codon (p.R1190Qfs*10). This variant is considered to be rare based on population cohorts in the Genome Aggregation Database (gnomAD). This alteration is expected to result in loss of function by premature protein truncation or nonsense-mediated mRNA decay. As such, this alteration is interpreted as a disease-causing mutation.

NM_000059.4(BRCA2):c.3568_3569insA (p.Arg1190fs)

Gene: BRCA2 (BRCA2 DNA repair associated; plus strand). Cytogenetic location: 13q13.1.
Variant type: Insertion.
Coding change: c.3568_3569insA on transcript NM_000059.4 (MANE Select); coding-DNA positions 3568 to 3569, A inserted.
Protein change: p.Arg1190fs; shifts the reading frame from arginine 1190.
Molecular consequence: frameshift variant. On other transcripts: non-coding transcript variant (1), intron variant (2).
Genome position: GRCh38 VCF-style: chr13-32337923-C-CA. GRCh37 (hg19) VCF-style: chr13-32912060-C-CA.
Other names: c.3568_3569insA, p.Arg1190fs (NM_001406719.1, NM_001406720.1, NM_001432077.1); c.1909+4536_1909+4537insA (NM_001406721.1); c.425-6635_425-6634insA (NM_001406722.1); short protein forms R1190fs.
Identifiers: ClinVar variation 3482005 (VCV003482005.1).